The following is an entry in ClinVar:

NM_006073.4(TRDN):c.602T>C (p.Leu201Pro)

Gene: TRDN (triadin; minus strand). Cytogenetic location: 6q22.31.
Variant type: single nucleotide variant.
Coding change: c.602T>C on transcript NM_006073.4 (MANE Select); coding-DNA position 602, T replaced by C.
Protein change: p.Leu201Pro; replaces leucine 201 with proline.
Molecular consequence: missense variant.
Genome position (GRCh38, 1-based): chr6:123,512,311, A>G on the plus strand (T>C on the coding strand, the complement: TRDN is on the minus strand). VCF-style: chr6-123512311-A-G. GRCh37 (hg19) VCF-style: chr6-123833456-A-G.
Other names: c.602T>C, p.Leu201Pro (NM_001251987.2, NM_001256020.2, NM_001256021.2 and 1 more transcripts); short protein forms L201P.
Identifiers: ClinVar variation 3328564 (VCV003328564.1).
Genomic context (GRCh38, chr6:123,512,311, plus strand): 5'-TCTTTCAGAGTAAAAAGAATTTAGTTATGGAAATAATAAATTGAAAAGTTACCTTTCGCC[A>G]GTGTCTTTGTTTCTGGTTTTTCTTTTTTCTCAATTTTTTCCTTGTGAGTTGCTTAAACAG-3'
Protein context (NP_006064.2, residues 191-211): EKKEKPETKT[Leu201Pro]AKEQKKAKTA

ClinVar aggregate classification (germline): Uncertain significance (1 of 4 stars; one submission).

Conditions:
Cardiovascular phenotype. Identifiers: MedGen CN230736.

Submission:

Ambry Genetics
Classification: Uncertain significance for Cardiovascular phenotype. Last evaluated: 2024-03-21. Review status: criteria provided, single submitter. Criteria: Ambry Variant Classification Scheme 2023. Collection method: clinical testing. Allele origin: germline.
Comment: The p.L201P variant (also known as c.602T>C), located in coding exon 7 of the TRDN gene, results from a T to C substitution at nucleotide position 602. The leucine at codon 201 is replaced by proline, an amino acid with similar properties. This amino acid position is conserved. In addition, this alteration is predicted to be tolerated by in silico analysis. Based on the available evidence, the clinical significance of this alteration remains unclear.